The following is an entry in ClinVar:

ClinVar aggregate classification (germline): Uncertain significance. Review status: criteria provided, multiple submitters, no conflicts (2 of 4 stars). 3 submissions from 3 submitters: Uncertain significance (3). Last evaluated 2024-09-27.

Conditions:
Hereditary cancer-predisposing syndrome. Also called: Tumor predisposition; Neoplastic Syndromes, Hereditary; Hereditary neoplastic syndrome; Hereditary Cancer Syndrome. Identifiers: Orphanet 140162, MedGen C0027672, MeSH D009386, MONDO:0015356.
Familial cancer of breast. Also called: BREAST CANCER, FAMILIAL; Hereditary breast cancer; hereditary breast carcinoma. Identifiers: Orphanet 227535, MedGen C0346153, MONDO:0016419, OMIM 114480. Disease mechanism: loss of function.

Submissions (3):

Ambry Genetics
Classification: Uncertain significance for Hereditary cancer-predisposing syndrome. Last evaluated: 2024-09-27. Review status: criteria provided, single submitter. Criteria: Ambry Variant Classification Scheme 2023. Collection method: clinical testing. Allele origin: germline.
Comment: The p.I97L variant (also known as c.289A>T), located in coding exon 3 of the BARD1 gene, results from an A to T substitution at nucleotide position 289. The isoleucine at codon 97 is replaced by leucine, an amino acid with highly similar properties. This amino acid position is highly conserved in available vertebrate species. In addition, the in silico prediction for this alteration is inconclusive. Since supporting evidence is limited at this time, the clinical significance of this alteration remains unclear.

Color Diagnostics, LLC DBA Color Health
Classification: Uncertain significance for Hereditary cancer-predisposing syndrome. Last evaluated: 2024-03-06. Review status: criteria provided, single submitter. Criteria: ACMG Guidelines, 2015. Collection method: clinical testing. Allele origin: germline.
Comment: This missense variant replaces isoleucine with leucine at codon 97 of the BARD1 protein. Computational prediction suggests that this variant may not impact protein structure and function (internally defined REVEL score threshold <= 0.5, PMID: 27666373). To our knowledge, functional studies have not been reported for this variant. This variant has not been reported in individuals affected with hereditary cancer in the literature. This variant has not been identified in the general population by the Genome Aggregation Database (gnomAD). The available evidence is insufficient to determine the role of this variant in disease conclusively. Therefore, this variant is classified as a Variant of Uncertain Significance.

Labcorp Genetics (formerly Invitae), Labcorp
Classification: Uncertain significance for Familial cancer of breast. Last evaluated: 2019-12-27. Review status: criteria provided, single submitter. Criteria: Invitae Variant Classification Sherloc (09022015). Collection method: clinical testing. Allele origin: germline.
Comment: In summary, the available evidence is currently insufficient to determine the role of this variant in disease. Therefore, it has been classified as a Variant of Uncertain Significance. This sequence change replaces isoleucine with leucine at codon 97 of the BARD1 protein (p.Ile97Leu). The isoleucine residue is highly conserved and there is a small physicochemical difference between isoleucine and leucine. This variant is not present in population databases (ExAC no frequency). This variant has not been reported in the literature in individuals with BARD1-related conditions. Algorithms developed to predict the effect of missense changes on protein structure and function are either unavailable or do not agree on the potential impact of this missense change (SIFT: "Deleterious"; PolyPhen-2: "Probably Damaging"; Align-GVGD: "Class C0").

NM_000465.4(BARD1):c.289A>T (p.Ile97Leu)

Gene: BARD1 (BRCA1 associated RING domain 1; minus strand). Cytogenetic location: 2q35.
Variant type: single nucleotide variant.
Coding change: c.289A>T on transcript NM_000465.4 (MANE Select); coding-DNA position 289, A replaced by T.
Protein change: p.Ile97Leu; replaces isoleucine 97 with leucine.
Molecular consequence: missense variant. On other transcripts: non-coding transcript variant (1), intron variant (2).
Genome position (GRCh38, 1-based): chr2:214,792,372, T>A on the plus strand (A>T on the coding strand, the complement: BARD1 is on the minus strand). VCF-style: chr2-214792372-T-A. GRCh37 (hg19) VCF-style: chr2-215657096-T-A.
Other names: c.232A>T, p.Ile78Leu (NM_001282543.2); c.289A>T, p.Ile97Leu (NM_001282549.2); c.158+17040A>T (NM_001282548.2); c.215+4689A>T (NM_001282545.2); c.289A>T (NM_000465.2); short protein forms I97L, I78L.
Identifiers: ClinVar variation 851118 (VCV000851118.17), dbSNP rs1553624773, ClinGen allele CA350461042.
Genomic context (GRCh38, chr2:214,792,372, plus strand): 5'-CATGTAGCAAATTTCGAAGCTTACTACAAAGTTGAATCATGCTGTCCAGTTGTCTATTTA[T>A]CTTCAAGTCTTGTATCCAGGCCGGGGTGTAACACACTGGACATCCAGTTCCAATGCAGTC-3'
Protein context (NP_000456.2, residues 87-107): YTPAWIQDLK[Ile97Leu]NRQLDSMIQL